The following is an entry in ClinVar:

ClinVar aggregate classification (germline): Conflicting classifications of pathogenicity. Review status: criteria provided, conflicting classifications (1 of 4 stars). 9 submissions from 9 submitters: Likely pathogenic (3); Uncertain significance (6). Last evaluated 2026-02-19.

Conditions:
CHEK2-related cancer predisposition (TPDS4). Also called: CHEK2-related cancer susceptibility; TUMOR PREDISPOSITION SYNDROME 4; CANCER PREDISPOSITION SYNDROME, CHEK2-RELATED. Identifiers: Orphanet 524, MedGen C5882668, MONDO:0700271, OMIM 609265.
Familial cancer of breast. Also called: BREAST CANCER, FAMILIAL; hereditary breast carcinoma; Hereditary breast cancer. Identifiers: Orphanet 227535, MedGen C0346153, MONDO:0016419, OMIM 114480. Disease mechanism: loss of function.
Hereditary cancer-predisposing syndrome. Also called: Neoplastic Syndromes, Hereditary; Tumor predisposition; Hereditary neoplastic syndrome; Hereditary Cancer Syndrome. Identifiers: Orphanet 140162, MedGen C0027672, MeSH D009386, MONDO:0015356.
Breast-ovarian cancer, familial, susceptibility to, 2 (BROVCA2). Also called: BRCA2 Hereditary Breast and Ovarian Cancer. Identifiers: Orphanet 145, MedGen C2675520, MONDO:0012933, OMIM 612555. Disease mechanism: loss of function.

Allele frequency attached by ClinVar (database versions not stated): TOPMed 0.00001.
gnomAD v4.1: 4 of 1,610,176 alleles (0.00025%); highest among the groups gnomAD compares: Non-Finnish European, 0.00034%; no homozygotes.

Submissions (9):

Ambry Genetics
Classification: Uncertain significance for Hereditary cancer-predisposing syndrome. Last evaluated: 2026-02-19. Review status: criteria provided, single submitter. Criteria: Ambry Variant Classification Scheme 2023. Collection method: clinical testing. Allele origin: germline.
Comment: The p.A230P variant (also known as c.688G>C), located in coding exon 5 of the CHEK2 gene, results from a G to C substitution at nucleotide position 688. The alanine at codon 230 is replaced by proline, an amino acid with highly similar properties. This alteration was identified in multiple individuals diagnosed with breast cancer (Penkert J et al. Breast Cancer Res, 2018 08;20:87; Hauke J et al. Cancer Med, 2018 Apr;7:1349-1358). This alteration has also been reported in 1/1197 individuals from Greece, Romania, and Turkey undergoing evaluation for inherited cancer predisposition (Tsaousis GN et al. BMC Cancer, 2019 Jun;19:535). In a large case-control study, this variant was reported in 2/60,466 breast cancer cases and in 1/53,461 controls (Dorling et al. N Engl J Med 2021 02;384:428-439). This alteration was reported as damaging in an mES cell-based assay of CHEK2 activity (Boonen RACM et al. Cancer Res, 2022 Feb;82:615-631). This variant was also reported as functionally impaired in a study assessing CHEK2-complementation through quantification of KAP1 phosphorylation and CHK2 autophosphorylation in human RPE1-CHEK2-knockout cells. This amino acid position is highly conserved in available vertebrate species. In addition, this alteration is predicted to be deleterious by in silico analysis. Based on the available evidence, the clinical significance of this variant remains unclear.

Labcorp Genetics (formerly Invitae), Labcorp
Classification: Uncertain significance for Familial cancer of breast. Last evaluated: 2025-11-17. Review status: criteria provided, single submitter. Criteria: Invitae Variant Classification Sherloc (09022015). Collection method: clinical testing. Allele origin: germline.
Comment: This sequence change replaces alanine, which is neutral and non-polar, with proline, which is neutral and non-polar, at codon 230 of the CHEK2 protein (p.Ala230Pro). This variant is present in population databases (rs748636216, gnomAD 0.0009%). This missense change has been observed in individual(s) with a personal and/or family history of breast or ovarian cancer (PMID: 30086788, 30613976, 31159747, 37449874). This variant is also known as c.817G>C (p.Ala273Pro). ClinVar contains an entry for this variant (Variation ID: 410020). An algorithm developed to predict the effect of missense changes on protein structure and function (PolyPhen-2) suggests that this variant is likely to be disruptive. Experimental studies have shown that this missense change affects CHEK2 function (PMID: 34903604, 37449874). In summary, the available evidence is currently insufficient to determine the role of this variant in disease. Therefore, it has been classified as a Variant of Uncertain Significance.

Color Diagnostics, LLC DBA Color Health
Classification: Uncertain significance for Hereditary cancer-predisposing syndrome. Last evaluated: 2025-10-13. Review status: criteria provided, single submitter. Criteria: ACMG Guidelines, 2015. Collection method: clinical testing. Allele origin: germline.
Comment: This missense variant replaces alanine with proline at codon 230 of the CHEK2 protein. Computational prediction suggests that this variant may not impact protein structure and function.Functional studies have shown this variant to be defective in KAP1 kinase assays and CHK2 autophosphorylation assays (PMID: 34903604, 37449874). This variant has been reported in individuals affected with breast cancer in the literature (PMID: 29522266, 30086788, 30613976, 33471991). This variant has been identified in 4/1610176 chromosomes in the general population by the Genome Aggregation Database (gnomAD). The available evidence is insufficient to determine the role of this variant in disease conclusively. Therefore, this variant is classified as a Variant of Uncertain Significance.

Dipartimento Di Medicina Di Precisione, Università Degli Studi Della Campania Luigi Vanvitelli
Classification: Likely pathogenic for Breast-ovarian cancer, familial, susceptibility to, 2. Last evaluated: 2025-07-11. Review status: criteria provided, single submitter. Criteria: ACMG Guidelines, 2015. Collection method: clinical testing. Allele origin: germline. Affected: yes. Observed: 1 heterozygote.

Myriad Genetics, Inc.
Classification: Likely pathogenic for Familial cancer of breast. Last evaluated: 2025-06-23. Review status: criteria provided, single submitter. Criteria: Myriad Autosomal Dominant, Autosomal Recessive and X-Linked Classification Criteria (2023). Collection method: clinical testing. Allele origin: unknown.
Comment: This variant is considered likely pathogenic. Functional studies indicate this variant impacts protein function [PMID: 37449874, 34903604]. This variant is expected to disrupt protein structure [Myriad internal data].

Department of Human Genetics, Hannover Medical School
Classification: Likely pathogenic for CHEK2-related cancer predisposition. Last evaluated: 2024-07-23. Review status: criteria provided, single submitter. Criteria: ACMG Guidelines, 2015. Collection method: clinical testing. Allele origin: germline. Inheritance: Autosomal dominant inheritance. Affected: yes.

Department of Pathology and Laboratory Medicine, Sinai Health System
Classification: Uncertain significance for CHEK2-related cancer predisposition. Last evaluated: 2023-09-29. Review status: criteria provided, single submitter. Criteria: ACMG Guidelines, 2015. Collection method: clinical testing. Allele origin: germline. Affected: yes.

GeneDx
Classification: Uncertain significance. Last evaluated: 2020-12-17. Review status: criteria provided, single submitter. Criteria: GeneDx Variant Classification Process June 2021. Collection method: clinical testing. Allele origin: germline. Affected: yes.
Comment: Observed in a patient with breast cancer and another undergoing hereditary cancer testing (Penkert 2018, Tsaousis 2019); Not observed at a significant frequency in large population cohorts (Lek 2016); In silico analysis supports that this missense variant has a deleterious effect on protein structure/function; This variant is associated with the following publications: (PMID: 30086788, 31159747)

GeneKor MSA
Classification: Uncertain significance for Hereditary cancer-predisposing syndrome. Last evaluated: 2018-08-01. Review status: criteria provided, single submitter. Criteria: ACMG Guidelines, 2015. Collection method: clinical testing. Allele origin: germline. Affected: yes.

Literature cited by the submitters: PubMed 29522266 (cited by Ambry Genetics and Color Diagnostics, LLC DBA Color Health); PubMed 30086788 (cited by 4 submitters); PubMed 31159747 (cited by 3 submitters); PubMed 33471991 (cited by Ambry Genetics and Color Diagnostics, LLC DBA Color Health); PubMed 34903604 (cited by 5 submitters); PubMed 37449874 (cited by 4 submitters); PubMed 30613976 (cited by 3 submitters); DOI 10.3390/ijms26135928 (cited by Dipartimento Di Medicina Di Precisione, Università Degli Studi Della Campania Luigi Vanvitelli).

NM_007194.4(CHEK2):c.688G>C (p.Ala230Pro)

Gene: CHEK2 (checkpoint kinase 2; minus strand). Cytogenetic location: 22q12.1.
Variant type: single nucleotide variant.
Coding change: c.688G>C on transcript NM_007194.4 (MANE Select); coding-DNA position 688, G replaced by C.
Protein change: p.Ala230Pro; replaces alanine 230 with proline.
Molecular consequence: missense variant.
Genome position (GRCh38, 1-based): chr22:28,712,013, C>G on the plus strand (G>C on the coding strand, the complement: CHEK2 is on the minus strand). VCF-style: chr22-28712013-C-G. GRCh37 (hg19) VCF-style: chr22-29108001-C-G.
Other names: c.487G>C, p.Ala163Pro (NM_001349956.3); c.688G>C, p.Ala230Pro (NM_145862.3); c.817G>C, p.Ala273Pro (NM_001005735.3); c.25G>C, p.Ala9Pro (NM_001257387.3); short protein forms A230P, A273P, A9P, A163P.
Identifiers: ClinVar variation 410020 (VCV000410020.28), dbSNP rs748636216, ClinGen allele CA10167900.